The following is an entry in ClinVar:

NM_030957.4(ADAMTS10):c.1461G>T (p.Ser487=)

Gene: ADAMTS10 (ADAM metallopeptidase with thrombospondin type 1 motif 10; minus strand). Cytogenetic location: 19p13.2.
Variant type: single nucleotide variant.
Coding change: c.1461G>T on transcript NM_030957.4 (MANE Select); coding-DNA position 1461, G replaced by T.
Protein change: p.Ser487=; no amino-acid change (serine 487 retained).
Molecular consequence: synonymous variant.
Genome position (GRCh38, 1-based): chr19:8,595,780, C>A on the plus strand (G>T on the coding strand, the complement: ADAMTS10 is on the minus strand). VCF-style: chr19-8595780-C-A. GRCh37 (hg19) VCF-style: chr19-8660664-C-A.
Other names: p.Ser487=.
Identifiers: ClinVar variation 4684302 (VCV004684302.1).

ClinVar aggregate classification (germline): Likely benign (1 of 4 stars; one submission).

Submission:

Mayo Clinic Laboratories, Mayo Clinic
Classification: Likely benign. Last evaluated: 2025-11-28. Review status: criteria provided, single submitter. Criteria: ACMG Guidelines, 2015. Collection method: clinical testing. Allele origin: germline. Observed: 1 variant allele.
Comment: BP4, BP7, PM2_supporting